The following continues an entry in ClinVar:

NM_000059.4(BRCA2):c.1627C>A (p.His543Asn)

Gene: BRCA2. ClinVar aggregate classification (germline): Conflicting classifications of pathogenicity. Uncertain significance (9); Likely benign (4).

Submissions 11 to 16 of 16:

Women's Health and Genetics/Laboratory Corporation of America, LabCorp
Classification: Uncertain significance. Last evaluated: 2022-12-05. Review status: criteria provided, single submitter. Criteria: LabCorp Variant Classification Summary - May 2015. Collection method: clinical testing. Allele origin: germline.
Comment: Variant summary: BRCA2 c.1627C>A (p.His543Asn) results in a conservative amino acid change in the encoded protein sequence. Four of four in-silico tools predict a benign effect of the variant on protein function. The variant was absent in 250880 control chromosomes (gnomAD). The available data on variant occurrences in the general population are insufficient to allow any conclusion about variant significance. c.1627C>A has been reported in the literature in individuals affected with Hereditary Breast And/or Ovarian Cancer, however, authors classified the variant as VUS (examples: ElSaghir_2015, Henouda_2016, Alhuqail_B2018, Farra_2019, Salmi_2021 and Bisgin_2022). These report(s) do not provide unequivocal conclusions about association of the variant with Hereditary Breast And Ovarian Cancer Syndrome. To our knowledge, no experimental evidence demonstrating an impact on protein function has been reported. Seven clinical diagnostic laboratories have submitted clinical-significance assessments for this variant to ClinVar after 2014 and all classified the variant as uncertain significance. Based on the evidence outlined above, the variant was classified as uncertain significance.

Sema4
Classification: Uncertain significance for Hereditary cancer-predisposing syndrome. Last evaluated: 2022-02-23. Review status: criteria provided, single submitter. Criteria: Sema4 Curation Guidelines. Collection method: curation. Allele origin: germline.
Comment: The BRCA2 c.1627C>A (p.H543N) variant has been reported in heterozygosity in at least 4 individuals with personal and/or family history of breast, ovarian and prostate cancer (PMID: 25777348, 26997744, 29297111, 34242281). It was not reported in the population database Genome Aggregation Database (PMID: 32461654). This variant has been reported in ClinVar (Variation ID: 51158). Functional studies have not been performed, and in silico predictions of the variant's effect on protein function are inconclusive. The evidence is insufficient to meet ACMG/AMP criteria for classifying the variant as benign or pathogenic. Thus, the clinical significance of this variant is currently uncertain.

CeGaT Center for Human Genetics Tuebingen
Classification: Uncertain significance. Last evaluated: 2021-04-01. Review status: criteria provided, single submitter. Criteria: CeGaT Center For Human Genetics Tuebingen Variant Classification Criteria Version 2. Collection method: clinical testing. Allele origin: germline. Affected: yes. Observed: 1 variant allele.

Sharing Clinical Reports Project (SCRP)
Classification: Uncertain significance for Breast-ovarian cancer, familial 2. Last evaluated: 2013-05-21. Review status: no assertion criteria provided. Collection method: clinical testing. Allele origin: germline. Not counted in ClinVar's aggregate classification.

Breast Cancer Information Core (BIC) (BRCA2)
Classification: Uncertain significance for Breast-ovarian cancer, familial 2. Last evaluated: 2002-05-29. Review status: no assertion criteria provided. Collection method: clinical testing. Allele origin: germline. Affected: yes. Observed: 2 variant alleles. Not counted in ClinVar's aggregate classification.

Department of Pathology and Laboratory Medicine, Sinai Health System
Classification: Likely benign for Malignant tumor of breast. Review status: no assertion criteria provided. Collection method: clinical testing. Allele origin: unknown. Affected: yes. Study: The Canadian Open Genetics Repository (COGR). Not counted in ClinVar's aggregate classification.
Comment: The BRCA2 p.His543Asn variant was identified in 2 of 580 proband chromosomes (frequency: 0.003) from individuals or families with breast cancer (El Saghir 2015, Henouda 2016). The variant was identified in dbSNP (rs80358446) as â€šÃ„Ãºwith uncertain significance alleleâ€šÃ„Ã¹, ClinVar (classified as uncertain significance by Ambry Genetics, Color, BIC and 1 other submitter; and as likely benign by our laboratory), LOVD 3.0 (observed 2x) and UMD-LSDB (observed 2x). The variant was not identified in the following control databases: the Exome Aggregation Consortium (August 8th 2016) or the Genome Aggregation Database (Feb 27, 2017). The p.His543 residue is not conserved in mammals and computational analyses (PolyPhen-2, SIFT, AlignGVGD, BLOSUM, MutationTaster) do not suggest a high likelihood of impact to the protein; however, this information is not predictive enough to rule out pathogenicity. The variant occurs outside of the splicing consensus sequence and in silico or computational prediction software programs (SpliceSiteFinder, MaxEntScan, NNSPLICE, GeneSplicer) do not predict a difference in splicing. In summary, based on the above information, the clinical significance of this variant cannot be determined with certainty at this time although we would lean towards a more benign role for this variant. This variant is classified as likely benign.

Literature cited by the submitters: PubMed 25777348 (cited by 6 submitters); PubMed 26997744 (cited by 6 submitters); PubMed 29297111 (cited by 4 submitters); PubMed 30675319 (cited by 6 submitters); PubMed 34242281 (cited by 7 submitters); PubMed 35753294 (cited by 5 submitters); PubMed 37335020 (cited by Ambry Genetics); PubMed 28814288 (cited by Quest Diagnostics Nichols Institute San Juan Capistrano); PubMed 37415649 (cited by 3 submitters); PubMed 31911673 (cited by Quest Diagnostics Nichols Institute San Juan Capistrano); PubMed 25085752 (cited by Myriad Genetics, Inc.).